The following is an entry in ClinVar:

ClinVar aggregate classification (germline): Benign/Likely benign. Review status: criteria provided, multiple submitters, no conflicts (2 of 4 stars). 8 submissions from 8 submitters: Benign (3); Likely benign (4). 1 of the submissions does not count toward it. Last evaluated 2026-09-01.

Conditions:
LARS2-related disorder. Also called: LARS2-related condition.

Allele frequency attached by ClinVar (database versions not stated): 1000 Genomes Project 30x 0.00031; 1000 Genomes Project 0.00040; TOPMed 0.00186; gnomAD 0.00200 and 0.00203; ESP Exome Variant Server 0.00208; gnomAD exomes 0.00209; ExAC 0.00219.
gnomAD v4.1: 4,098 of 1,590,548 alleles (0.26%); highest among the groups gnomAD compares: Non-Finnish European, 0.31%; 9 homozygotes.

Submissions (8):

CeGaT Center for Human Genetics Tuebingen
Classification: Likely benign. Last evaluated: 2026-09-01. Review status: criteria provided, single submitter. Criteria: CeGaT Center For Human Genetics Tuebingen Variant Classification Criteria Version 2. Collection method: clinical testing. Allele origin: germline. Affected: yes. Observed: 12 variant alleles.
Comment: LARS2: BP4, BP7

Labcorp Genetics (formerly Invitae), Labcorp
Classification: Benign. Last evaluated: 2026-01-26. Review status: criteria provided, single submitter. Criteria: Invitae Variant Classification Sherloc (09022015). Collection method: clinical testing. Allele origin: germline.

Blueprint Genetics
Classification: Likely benign. Last evaluated: 2024-11-07. Review status: criteria provided, single submitter. Criteria: ACMG Guidelines, 2015. Collection method: clinical testing. Allele origin: germline.

Athena Diagnostics
Classification: Benign. Last evaluated: 2019-01-23. Review status: criteria provided, single submitter. Criteria: Athena Diagnostics Criteria. Collection method: clinical testing. Allele origin: germline.

GeneDx
Classification: Likely benign. Last evaluated: 2017-08-08. Review status: criteria provided, single submitter. Criteria: GeneDx Variant Classification (06012015). Collection method: clinical testing. Allele origin: germline. Affected: yes.
Comment: This variant is considered likely benign or benign based on one or more of the following criteria: it is a conservative change, it occurs at a poorly conserved position in the protein, it is predicted to be benign by multiple in silico algorithms, and/or has population frequency not consistent with disease.

Laboratory for Molecular Medicine, Mass General Brigham Personalized Medicine
Classification: Benign. Last evaluated: 2014-11-24. Review status: criteria provided, single submitter. Criteria: LMM Criteria. Collection method: clinical testing. Allele origin: germline. Observed: 2 variant alleles.
Comment: Ala564Ala in exon 15 of LARS2: This variant is not expected to have clinical sig nificance because it does not alter an amino acid residue and is not located wit hin the splice consensus sequence. It has been identified in 0.3% (26/8600) of E uropean American chromosomes from a broad population by the NHLBI Exome Sequenci ng Project (dbSNP rs149911756).

Breakthrough Genomics
Classification: Likely benign. Review status: criteria provided, single submitter. Criteria: ACMG Guidelines, 2015. Collection method: not provided. Allele origin: germline. Inheritance: Autosomal recessive inheritance. Affected: yes.

PreventionGenetics, part of Exact Sciences
Classification: Likely benign for LARS2-related condition. Last evaluated: 2020-03-16. Review status: no assertion criteria provided. Collection method: clinical testing. Allele origin: germline. Not counted in ClinVar's aggregate classification.
Comment: This variant is classified as likely benign based on ACMG/AMP sequence variant interpretation guidelines (Richards et al. 2015 PMID: 25741868, with internal and published modifications).

NM_015340.4(LARS2):c.1692C>T (p.Ala564=)

Genes: LARS2 (leucyl-tRNA synthetase 2, mitochondrial; plus strand), LARS2-AS1 (LARS2 antisense RNA 1; minus strand). Cytogenetic location: 3p21.31.
Variant type: single nucleotide variant.
Coding change: c.1692C>T on transcript NM_015340.4 (MANE Select); coding-DNA position 1692, C replaced by T.
Protein change: p.Ala564=; no amino-acid change (alanine 564 retained).
Molecular consequence: synonymous variant.
Genome position (GRCh38, 1-based): chr3:45,500,511, C>T. VCF-style: chr3-45500511-C-T. GRCh37 (hg19) VCF-style: chr3-45542003-C-T.
Other names: c.1692C>T, p.Ala564= (NM_001368263.1).
Identifiers: ClinVar variation 226696 (VCV000226696.42), dbSNP rs149911756, ClinGen allele CA2349664.